The following is an entry in ClinVar:

ClinVar aggregate classification (germline): Pathogenic (1 of 4 stars; one submission).

Conditions:
Neuromuscular disease caused by qualitative or quantitative defects of dystrophin. Also called: Qualitative or quantitative defects of dystrophin. Identifiers: Orphanet 207085, MedGen C5679787, MONDO:0016147.

Submission:

Women's Health and Genetics/Laboratory Corporation of America, LabCorp
Classification: Pathogenic for Neuromuscular disease caused by qualitative or quantitative defects of dystrophin. Last evaluated: 2025-12-01. Review status: criteria provided, single submitter. Criteria: LabCorp Variant Classification Summary - May 2015. Collection method: clinical testing. Allele origin: germline.
Comment: Variant summary: The variant involves the deletion of exons 20-21 in the DMD gene. This Copy Number Variant (CNV) is expected to alter the reading frame and predicted to result in a truncation or absence of the encoded protein due to nonsense mediated decay (NMD). Loss-of-function variants in this gene are known to be pathogenic. A presumed nomenclature of c.(2380+1_2381-1)_(5922+1_5923-1)del has been designated for the purposes of this classification. The variant was absent in 16120 control chromosomes. c.(2380+1_2381-1)_(5922+1_5923-1)del has been observed in individual(s) affected with Dystrophinopathies (example: Lalic_2005). To our knowledge, no experimental evidence demonstrating an impact on protein function has been reported. The following publication has been ascertained in the context of this evaluation (PMID: 16030524). No submitters have cited clinical-significance assessments for this variant to ClinVar. Based on the evidence outlined above, the variant was classified as pathogenic.

Literature cited by the submitters: PubMed 16030524.

NC_000023.10:g.(32328394_32360216)_(32509636_32519871)del

Gene: DMD (dystrophin; minus strand). Cytogenetic location: Xp21.1.
Variant type: Deletion.
Identifiers: ClinVar variation 4688708 (VCV004688708.1).